The following is an entry in ClinVar:

ClinVar aggregate classification (germline): Uncertain significance (1 of 4 stars; one submission).

Allele frequency attached by ClinVar (database versions not stated): gnomAD exomes below 0.00001.
gnomAD v4.1: 3 of 1,607,380 alleles (0.00019%); highest among the groups gnomAD compares: Non-Finnish European, 0.00025%; no homozygotes.

Submission:

Labcorp Genetics (formerly Invitae), Labcorp
Classification: Uncertain significance. Last evaluated: 2024-12-16. Review status: criteria provided, single submitter. Criteria: Invitae Variant Classification Sherloc (09022015). Collection method: clinical testing. Allele origin: germline.
Comment: This sequence change replaces leucine, which is neutral and non-polar, with proline, which is neutral and non-polar, at codon 157 of the PNPLA8 protein (p.Leu157Pro). This variant is not present in population databases (gnomAD no frequency). This variant has not been reported in the literature in individuals affected with PNPLA8-related conditions. ClinVar contains an entry for this variant (Variation ID: 2091904). An algorithm developed to predict the effect of missense changes on protein structure and function (PolyPhen-2) suggests that this variant is likely to be disruptive. In summary, the available evidence is currently insufficient to determine the role of this variant in disease. Therefore, it has been classified as a Variant of Uncertain Significance.

NM_001256007.3(PNPLA8):c.470T>C (p.Leu157Pro)

Gene: PNPLA8 (patatin like domain 8, phospholipase A2; minus strand). Cytogenetic location: 7q31.1.
Variant type: single nucleotide variant.
Coding change: c.470T>C on transcript NM_001256007.3 (MANE Select); coding-DNA position 470, T replaced by C.
Protein change: p.Leu157Pro; replaces leucine 157 with proline.
Molecular consequence: missense variant.
Genome position (GRCh38, 1-based): chr7:108,515,022, A>G on the plus strand (T>C on the coding strand, the complement: PNPLA8 is on the minus strand). VCF-style: chr7-108515022-A-G. GRCh37 (hg19) VCF-style: chr7-108155466-A-G.
Other names: c.470T>C, p.Leu157Pro (NM_001256008.3, NM_001256009.3, NM_015723.5); c.170T>C, p.Leu57Pro (NM_001256010.3, NM_001256011.3); short protein forms L157P, L57P.
Identifiers: ClinVar variation 2091904 (VCV002091904.4), dbSNP rs2552117634, ClinGen allele CA368898774.